The following is an entry in ClinVar:

ClinVar aggregate classification (germline): Benign (1 of 4 stars; one submission).

gnomAD v4.1: 60,066 of 1,585,968 alleles (3.8%); highest among the groups gnomAD compares: Middle Eastern, 5%; 1,229 homozygotes.

Submission:

Women's Health and Genetics/Laboratory Corporation of America, LabCorp
Classification: Benign. Last evaluated: 2026-06-03. Review status: criteria provided, single submitter. Criteria: LabCorp Variant Classification Summary - May 2015. Collection method: clinical testing. Allele origin: germline.
Comment: Variant summary: GINS3 c.186+12G>A alters a non-conserved nucleotide located at a position not widely known to affect splicing. Consensus agreement among computation tools predict no significant impact on normal splicing. However, these predictions have yet to be confirmed by functional studies. The variant allele was found at a frequency of 0.036 in 200496 control chromosomes, predominantly at a frequency of 0.045 within the African or African-American subpopulation in the gnomAD database, including 13 homozygotes. The observed variant frequency within African or African-American control individuals in the gnomAD database exceeds the estimated maximal expected allele frequency for disease-causing variants in GINS3. To our knowledge, no occurrence of c.186+12G>A in individuals affected with GINS3-related conditions and no experimental evidence demonstrating its impact on protein function have been reported. No submitters have cited clinical-significance assessments for this variant to ClinVar. Based on the evidence outlined above, the variant was classified as benign.

NM_022770.4(GINS3):c.186+12G>A

Gene: GINS3 (GINS complex subunit 3; plus strand). Cytogenetic location: 16q21.
Variant type: single nucleotide variant.
Coding change: c.186+12G>A on transcript NM_022770.4 (MANE Select); 12 bases into the intron after coding-DNA position 186, G replaced by A.
Molecular consequence: intron variant.
Genome position (GRCh38, 1-based): chr16:58,392,799, G>A. VCF-style: chr16-58392799-G-A. GRCh37 (hg19) VCF-style: chr16-58426703-G-A.
Other names: c.186+12G>A (NM_001126129.2, NM_001126130.2).
Identifiers: ClinVar variation 4887546 (VCV004887546.1).